The following is an entry in ClinVar:

ClinVar aggregate classification (germline): Pathogenic (1 of 4 stars; one submission).

Conditions:
Hereditary cancer-predisposing syndrome. Also called: Neoplastic Syndromes, Hereditary; Hereditary neoplastic syndrome; Tumor predisposition; Hereditary Cancer Syndrome. Identifiers: Orphanet 140162, MedGen C0027672, MeSH D009386, MONDO:0015356.

Submission:

Labcorp Genetics (formerly Invitae), Labcorp
Classification: Pathogenic for Hereditary cancer-predisposing syndrome. Last evaluated: 2023-01-05. Review status: criteria provided, single submitter. Criteria: Invitae Variant Classification Sherloc (09022015). Collection method: clinical testing. Allele origin: germline.
Comment: For these reasons, this variant has been classified as Pathogenic. This variant has not been reported in the literature in individuals affected with RAD50-related conditions. This variant is not present in population databases (gnomAD no frequency). This sequence change creates a premature translational stop signal (p.Ile947Tyrfs*2) in the RAD50 gene. It is expected to result in an absent or disrupted protein product. Loss-of-function variants in RAD50 are known to be pathogenic (PMID: 19409520).

Literature cited by the submitters: PubMed 19409520.

NM_005732.4(RAD50):c.2838dup (p.Ile947fs)

Gene: RAD50 (RAD50 double strand break repair protein; plus strand). Cytogenetic location: 5q31.1.
Variant type: Duplication.
Coding change: c.2838dup on transcript NM_005732.4 (MANE Select); coding-DNA position 2838, one base duplicated (T; older notation c.2838dupT).
Protein change: p.Ile947fs; shifts the reading frame from isoleucine 947.
Molecular consequence: frameshift variant.
Genome position (GRCh38, 1-based): chr5:132,609,125, T duplicated. VCF-style (leftmost placement, unchanged base first): chr5-132609124-A-AT. GRCh37 (hg19) VCF-style: chr5-131944816-A-AT.
Other names: short protein forms I947fs.
Identifiers: ClinVar variation 2825598 (VCV002825598.3), dbSNP rs2479370944, ClinGen allele CA2739275065.